The following is an entry in ClinVar:

ClinVar aggregate classification (germline): Uncertain significance (1 of 4 stars; one submission).

Conditions:
Cardiovascular phenotype. Identifiers: MedGen CN230736.

Allele frequency attached by ClinVar (database versions not stated): gnomAD exomes below 0.00001; ESP Exome Variant Server 0.00008.
gnomAD v4.1: 1 of 1,614,116 alleles (0.000062%); highest among the groups gnomAD compares: South Asian, 0.0011%; no homozygotes.

Submission:

Ambry Genetics
Classification: Uncertain significance for Cardiovascular phenotype. Last evaluated: 2024-03-08. Review status: criteria provided, single submitter. Criteria: Ambry Variant Classification Scheme 2023. Collection method: clinical testing. Allele origin: germline.
Comment: The p.K1410T variant (also known as c.4229A>C), located in coding exon 23 of the DSP gene, results from an A to C substitution at nucleotide position 4229. The lysine at codon 1410 is replaced by threonine, an amino acid with similar properties. This amino acid position is conserved. In addition, this alteration is predicted to be tolerated by in silico analysis. Based on the available evidence, the clinical significance of this alteration remains unclear.

NM_004415.4(DSP):c.4229A>C (p.Lys1410Thr)

Gene: DSP (desmoplakin; plus strand). Cytogenetic location: 6p24.3.
Variant type: single nucleotide variant.
Coding change: c.4229A>C on transcript NM_004415.4 (MANE Select); coding-DNA position 4229, A replaced by C.
Protein change: p.Lys1410Thr; replaces lysine 1410 with threonine.
Molecular consequence: missense variant. On other transcripts: intron variant (2).
Genome position (GRCh38, 1-based): chr6:7,580,419, A>C. VCF-style: chr6-7580419-A-C. GRCh37 (hg19) VCF-style: chr6-7580652-A-C.
Other names: c.4050+179A>C (NM_001319034.2); c.3582+647A>C (NM_001008844.3); short protein forms K1410T.
Identifiers: ClinVar variation 3224231 (VCV003224231.1), dbSNP rs373596230, ClinGen allele CA133969397.